The following is an entry in ClinVar:

NM_000088.4(COL1A1):c.3566C>A (p.Pro1189His)

Gene: COL1A1 (collagen type I alpha 1 chain; minus strand). Cytogenetic location: 17q21.33.
Variant type: single nucleotide variant.
Coding change: c.3566C>A on transcript NM_000088.4 (MANE Select); coding-DNA position 3566, C replaced by A.
Protein change: p.Pro1189His; replaces proline 1189 with histidine.
Molecular consequence: missense variant.
Genome position (GRCh38, 1-based): chr17:50,186,888, G>T on the plus strand (C>A on the coding strand, the complement: COL1A1 is on the minus strand). VCF-style: chr17-50186888-G-T. GRCh37 (hg19) VCF-style: chr17-48264249-G-T.
Other names: short protein forms P1189H.
Identifiers: ClinVar variation 456773 (VCV000456773.9), dbSNP rs1555571859, ClinGen allele CA400198243.

ClinVar aggregate classification (germline): Uncertain significance (1 of 4 stars; one submission).

Conditions:
Osteogenesis imperfecta type I (OI1). Also called: OI, TYPE I; OSTEOGENESIS IMPERFECTA TARDA; OSTEOGENESIS IMPERFECTA WITH BLUE SCLERAE; Osteogenesis imperfecta type 1; Lobstein's Disease; Lobstein disease. Identifiers: Orphanet 216796, Orphanet 666, MedGen C0023931, MONDO:0008146, OMIM 166200. Disease mechanism: loss of function.

Submission:

Labcorp Genetics (formerly Invitae), Labcorp
Classification: Uncertain significance for Osteogenesis imperfecta type I. Last evaluated: 2017-05-15. Review status: criteria provided, single submitter. Criteria: Invitae Variant Classification Sherloc (09022015). Collection method: clinical testing. Allele origin: germline.
Comment: This variant is not present in population databases (ExAC no frequency) and has not been reported in the literature in individuals with a COL1A1-related disease. This sequence change replaces proline with histidine at codon 1189 of the COL1A1 protein (p.Pro1189His). The proline residue is highly conserved and there is a moderate physicochemical difference between proline and histidine. Algorithms developed to predict the effect of missense changes on protein structure and function (SIFT, PolyPhen-2, Align-GVGD) all suggest that this variant is likely to be disruptive, but these predictions have not been confirmed by published functional studies. In summary, this variant is a novel missense change with uncertain impact on protein function. It has been classified as a Variant of Uncertain Significance.